The following is an entry in ClinVar:

NM_000059.4(BRCA2):c.8581A>G (p.Arg2861Gly)

Gene: BRCA2 (BRCA2 DNA repair associated; plus strand). Cytogenetic location: 13q13.1.
Variant type: single nucleotide variant.
Coding change: c.8581A>G on transcript NM_000059.4 (MANE Select); coding-DNA position 8581, A replaced by G.
Protein change: p.Arg2861Gly; replaces arginine 2861 with glycine.
Molecular consequence: missense variant. On other transcripts: non-coding transcript variant (1).
Genome position (GRCh38, 1-based): chr13:32,371,049, A>G. VCF-style: chr13-32371049-A-G. GRCh37 (hg19) VCF-style: chr13-32945186-A-G.
Other names: c.8485A>G, p.Arg2829Gly (NM_001406719.1); c.8581A>G, p.Arg2861Gly (NM_001406720.1); c.3649A>G, p.Arg1217Gly (NM_001406721.1); c.2164A>G, p.Arg722Gly (NM_001406722.1); short protein forms R722G, R1217G, R2829G, R2861G.
Identifiers: ClinVar variation 2468091 (VCV002468091.2), dbSNP rs398122608, ClinGen allele CA387752839.
Genomic context (GRCh38, chr13:32,371,049, plus strand): 5'-TTTCGCAATGAAAGAGAGGAAGAAAAGGAAGCAGCAAAATATGTGGAGGCCCAACAAAAG[A>G]GACTAGAAGCCTTATTCACTAAAATTCAGGAGGAATTTGAAGAACATGAAGGTAAAATTA-3'
Protein context (NP_000050.3, residues 2851-2871): AAKYVEAQQK[Arg2861Gly]LEALFTKIQE

ClinVar aggregate classification (germline): Uncertain significance (1 of 4 stars; one submission).

Conditions:
Hereditary cancer-predisposing syndrome. Also called: Neoplastic Syndromes, Hereditary; Hereditary neoplastic syndrome; Tumor predisposition; Hereditary Cancer Syndrome. Identifiers: Orphanet 140162, MedGen C0027672, MeSH D009386, MONDO:0015356.

Submission:

Ambry Genetics
Classification: Uncertain significance for Hereditary cancer-predisposing syndrome. Last evaluated: 2022-11-03. Review status: criteria provided, single submitter. Criteria: Ambry Variant Classification Scheme 2023. Collection method: clinical testing. Allele origin: germline.
Comment: The p.R2861G variant (also known as c.8581A>G), located in coding exon 19 of the BRCA2 gene, results from an A to G substitution at nucleotide position 8581. The arginine at codon 2861 is replaced by glycine, an amino acid with dissimilar properties. This amino acid position is conserved. In addition, the in silico prediction for this alteration is inconclusive. Since supporting evidence is limited at this time, the clinical significance of this alteration remains unclear.